The following is an entry in ClinVar:

ClinVar aggregate classification (germline): Likely pathogenic (1 of 4 stars; one submission).

Submission:

CeGaT Center for Human Genetics Tuebingen
Classification: Likely pathogenic. Last evaluated: 2026-06-01. Review status: criteria provided, single submitter. Criteria: CeGaT Center For Human Genetics Tuebingen Variant Classification Criteria Version 2. Collection method: clinical testing. Allele origin: germline. Affected: yes. Observed: 1 variant allele.
Comment: SPRED1: PVS1:Strong, PM2

NM_152594.3(SPRED1):c.1057C>T (p.Gln353Ter)

Gene: SPRED1 (sprouty related EVH1 domain containing 1; plus strand). Cytogenetic location: 15q14.
Variant type: single nucleotide variant.
Coding change: c.1057C>T on transcript NM_152594.3 (MANE Select); coding-DNA position 1057, C replaced by T.
Protein change: p.Gln353Ter; replaces glutamine 353 with a stop codon.
Molecular consequence: nonsense.
Genome position (GRCh38, 1-based): chr15:38,351,386, C>T. VCF-style: chr15-38351386-C-T. GRCh37 (hg19) VCF-style: chr15-38643587-C-T.
Other names: short protein forms Q353*.
Identifiers: ClinVar variation 4875425 (VCV004875425.2).